The following is an entry in ClinVar:

NM_000154.2(GALK1):c.313C>T (p.Arg105Trp)

Gene: GALK1 (galactokinase 1; minus strand). Cytogenetic location: 17q25.1.
Variant type: single nucleotide variant.
Coding change: c.313C>T on transcript NM_000154.2 (MANE Select); coding-DNA position 313, C replaced by T.
Protein change: p.Arg105Trp; replaces arginine 105 with tryptophan.
Molecular consequence: missense variant.
Genome position (GRCh38, 1-based): chr17:75,763,939, G>A on the plus strand (C>T on the coding strand, the complement: GALK1 is on the minus strand). VCF-style: chr17-75763939-G-A. GRCh37 (hg19) VCF-style: chr17-73760020-G-A.
Other names: c.313C>T, p.Arg105Trp (NM_001381985.1); short protein forms R105W.
Identifiers: ClinVar variation 5003380 (VCV005003380.1).

ClinVar aggregate classification (germline): Uncertain significance (1 of 4 stars; one submission).

Conditions:
Deficiency of galactokinase. Also called: Galactokinase deficiency with cataracts; GALACTOSEMIA II. Identifiers: Orphanet 352, Orphanet 79237, MedGen C0268155, MONDO:0009255, OMIM 230200.

Submission:

Myriad Genetics, Inc.
Classification: Uncertain significance for Deficiency of galactokinase. Last evaluated: 2026-04-13. Review status: criteria provided, single submitter. Criteria: Myriad Autosomal Dominant, Autosomal Recessive and X-Linked Classification Criteria (2023). Collection method: clinical testing. Allele origin: unknown.
Comment: NM_000154.1(GALK1):c.313C>T(R105W) is a missense variant classified as a variant of uncertain significance in the context of galactokinase deficiency. R105W has not been observed in cases with relevant disease. Relevant functional assessments of this variant are not available in the literature. R105W has been observed in referenced population frequency databases. In summary, there is insufficient evidence to classify NM_000154.1(GALK1):c.313C>T(R105W) as pathogenic or benign. Please note: this variant was assessed in the context of healthy population screening.